The following is an entry in ClinVar:

NM_017525.3(CDC42BPG):c.3763G>A (p.Ala1255Thr)

Gene: CDC42BPG (CDC42 binding protein kinase gamma; minus strand). Cytogenetic location: 11q13.1.
Variant type: single nucleotide variant.
Coding change: c.3763G>A on transcript NM_017525.3 (MANE Select); coding-DNA position 3763, G replaced by A.
Protein change: p.Ala1255Thr; replaces alanine 1255 with threonine.
Molecular consequence: missense variant.
Genome position (GRCh38, 1-based): chr11:64,829,675, C>T on the plus strand (G>A on the coding strand, the complement: CDC42BPG is on the minus strand). VCF-style: chr11-64829675-C-T. GRCh37 (hg19) VCF-style: chr11-64597147-C-T.
Other names: short protein forms A1255T.
Identifiers: ClinVar variation 4868339 (VCV004868339.1).

ClinVar aggregate classification (germline): Uncertain significance (1 of 4 stars; one submission).

gnomAD v4.1: 5 of 1,611,628 alleles (0.00031%); highest among the groups gnomAD compares: African/African-American, 0.0067%; no homozygotes.

Submission:

Ambry Genetics
Classification: Uncertain significance. Last evaluated: 2026-04-30. Review status: criteria provided, single submitter. Criteria: Ambry Variant Classification Scheme 2023. Collection method: clinical testing. Allele origin: germline.
Comment: The c.3763G>A (p.A1255T) alteration is located in exon 30 (coding exon 30) of the CDC42BPG gene. This alteration results from a G to A substitution at nucleotide position 3763, causing the alanine (A) at amino acid position 1255 to be replaced by a threonine (T). Based on data from gnomAD, the A allele has an overall frequency of <0.001% (1/238976) total alleles studied. The highest observed frequency was 0.007% (1/14422) of African alleles. Based on insufficient or conflicting evidence, the clinical significance of this alteration remains unclear.